The following is an entry in ClinVar:

ClinVar aggregate classification (germline): Conflicting classifications of pathogenicity. Review status: criteria provided, conflicting classifications (1 of 4 stars). 5 submissions from 5 submitters: Uncertain significance (4); Likely benign (1). Last evaluated 2026-05-28.

Conditions:
VWF-related disorder. Also called: VWF-related condition; VWF-related disorders.

Allele frequency attached by ClinVar (database versions not stated): TOPMed 0.00129; 1000 Genomes Project 0.00140; gnomAD exomes 0.00023; ExAC 0.00028; ESP Exome Variant Server 0.00076; gnomAD 0.00083 and 0.00084; 1000 Genomes Project 30x 0.00125.
gnomAD v4.1: 352 of 1,527,086 alleles (0.023%); highest among the groups gnomAD compares: African/African-American, 0.19%; 2 homozygotes.

Submissions (5):

Women's Health and Genetics/Laboratory Corporation of America, LabCorp
Classification: Uncertain significance. Last evaluated: 2026-05-28. Review status: criteria provided, single submitter. Criteria: LabCorp Variant Classification Summary - May 2015. Collection method: clinical testing. Allele origin: germline.
Comment: Variant summary: VWF c.1892C>T (p.Ala631Val) results in a non-conservative amino acid change located in the second VWF/SSPO/Zonadhesin-like, cysteine-rich domain (IPR014853) of the encoded protein sequence. Algorithms developed to predict the effect of missense changes on protein structure and function are either unavailable or do not agree on the potential impact of this missense change. The variant allele was found at a frequency of 0.00023 in 123442 control chromosomes, predominantly at a frequency of 0.0022 within the African or African-American subpopulation in the gnomAD database. This frequency is not significantly higher than estimated for disease-causing variants in VWF, allowing no conclusion about variant significance. c.1892C>T has been reported in the literature in individuals affected with Von Willebrand Disease, however it was also found in healthy controls (e.g., Fidalgo_2016, Sadler_2021, Dubois_2022) and in at least one patient with two co-occurring (potentially) pathogenic variants that may explain the phenotype. These reports do not provide unequivocal conclusions about association of the variant with disease. To our knowledge, no experimental evidence demonstrating an impact on protein function has been reported. The following publications have been ascertained in the context of this evaluation (PMID: 35734101, 26988807, 33556167). ClinVar contains an entry for this variant (Variation ID: 422844). Based on the evidence outlined above, the variant was classified as uncertain significance.

GeneDx
Classification: Uncertain significance. Last evaluated: 2025-11-17. Review status: criteria provided, single submitter. Criteria: GeneDx Variant Classification Process June 2021. Collection method: clinical testing. Allele origin: germline. Affected: yes.
Comment: Observed in individuals with von Willebrand disease in the published literature and referred for genetic testing at GeneDx (PMID: 26988807, 22197721); In silico analysis suggests that this missense variant does not alter protein structure/function; This variant is associated with the following publications: (PMID: 33556167, 22197721, 30361419, 35734101, 33134807, 40123275, 37647632, 26988807, 38192829, 36973604)

PreventionGenetics, part of Exact Sciences
Classification: Likely benign for VWF-related condition. Last evaluated: 2025-06-30. Review status: criteria provided, single submitter. Criteria: ACMG Guidelines, 2015. Collection method: clinical testing. Allele origin: germline.
Comment: This variant is classified as likely benign based on ACMG/AMP sequence variant interpretation guidelines (Richards et al. 2015 PMID: 25741868, with internal and published modifications).

Quest Diagnostics Nichols Institute San Juan Capistrano
Classification: Uncertain significance. Last evaluated: 2025-06-23. Review status: criteria provided, single submitter. Criteria: Quest Diagnostics criteria. Collection method: clinical testing. Allele origin: unknown.
Comment: The VWF c.1892C>T (p.Ala631Val) variant has been reported in the published literature in an individual with Type 1 von Willebrand disease (VWD) (PMIDs: 26988807 (2016), 37845247 (2023), 39002731)), and in an individual with Type 3 VWD who carried several other VWF variants (PMIDs: 35734101 (2022), 33134807 (2020)). This variant has also been observed in reportedly unaffected individuals (PMIDs: 22197721 (2012), 33556167 (2021), 37647632 (2023)). The frequency of this variant in the general population (Genome Aggregation Database) is uninformative in the assessment of its pathogenicity. Analysis of this variant using bioinformatics tools for the prediction of the effect of amino acid changes on protein structure and function yielded predictions that this variant is damaging. Based on the available information, we are unable to determine the clinical significance of this variant.

Breakthrough Genomics
Classification: Uncertain significance. Review status: criteria provided, single submitter. Criteria: ACMG Guidelines, 2015. Collection method: not provided. Allele origin: germline. Inheritance: Autosomal recessive inheritance. Affected: yes.

Literature cited by the submitters: PubMed 33556167 (cited by Women's Health and Genetics/Laboratory Corporation of America, LabCorp and Quest Diagnostics Nichols Institute San Juan Capistrano); PubMed 26988807 (cited by Women's Health and Genetics/Laboratory Corporation of America, LabCorp and Quest Diagnostics Nichols Institute San Juan Capistrano); PubMed 35734101 (cited by Women's Health and Genetics/Laboratory Corporation of America, LabCorp and Quest Diagnostics Nichols Institute San Juan Capistrano); PubMed 30361419 (cited by Quest Diagnostics Nichols Institute San Juan Capistrano); PubMed 33134807 (cited by Quest Diagnostics Nichols Institute San Juan Capistrano); PubMed 37647632 (cited by Quest Diagnostics Nichols Institute San Juan Capistrano); PubMed 39002731 (cited by Quest Diagnostics Nichols Institute San Juan Capistrano); PubMed 37845247 (cited by Quest Diagnostics Nichols Institute San Juan Capistrano); PubMed 36973604 (cited by Quest Diagnostics Nichols Institute San Juan Capistrano); PubMed 22197721 (cited by Quest Diagnostics Nichols Institute San Juan Capistrano).

NM_000552.5(VWF):c.1892C>T (p.Ala631Val)

Gene: VWF (von Willebrand factor; minus strand). Cytogenetic location: 12p13.31.
Variant type: single nucleotide variant.
Coding change: c.1892C>T on transcript NM_000552.5 (MANE Select); coding-DNA position 1892, C replaced by T.
Protein change: p.Ala631Val; replaces alanine 631 with valine.
Molecular consequence: missense variant.
Genome position (GRCh38, 1-based): chr12:6,056,910, G>A on the plus strand (C>T on the coding strand, the complement: VWF is on the minus strand). VCF-style: chr12-6056910-G-A. GRCh37 (hg19) VCF-style: chr12-6166076-G-A.
Other names: c.1892C>T (NM_000552.4); short protein forms A631V.
Identifiers: ClinVar variation 422844 (VCV000422844.17), dbSNP rs199963222, ClinGen allele CA6403245.